The following is an entry in ClinVar:

ClinVar aggregate classification (germline): Pathogenic/Likely pathogenic. Review status: criteria provided, multiple submitters, no conflicts (2 of 4 stars). 3 submissions from 3 submitters: Pathogenic (2); Likely pathogenic (1). Last evaluated 2024-06-13.

Conditions:
ALMS1-related disorder. Also called: ALMS1-related condition.
Alstrom syndrome (ALMS). Identifiers: Orphanet 64, MedGen C0268425, MONDO:0008763, OMIM 203800.

Allele frequency attached by ClinVar (database versions not stated): gnomAD exomes below 0.00001.
gnomAD v4.1: 1 of 1,613,818 alleles (0.000062%); no homozygotes.

Submissions (3):

Natera, Inc.
Classification: Pathogenic for Alstrom syndrome. Last evaluated: 2024-06-13. Review status: criteria provided, single submitter. Criteria: Natera Variant Classification Schema (03/2026). Collection method: clinical testing. Allele origin: germline.
Comment: The c.3898C>T variant in ALMS1 is a nonsense variant predicted to introduce a stop codon at amino acid 1300. This variant is expected to result in nonsense mediated decay, truncation, or a dysfunctional protein product. This variant is rare in the general population with a frequency below the threshold expected for the associated phenotype(s). This variant has been observed in one or more individuals affected with the associated recessive disease, as either homozygous or compound heterozygous with a second variant (PMID: 36206858). Given the available evidence, this variant is classified as Pathogenic.

Labcorp Genetics (formerly Invitae), Labcorp
Classification: Pathogenic for Alstrom syndrome. Last evaluated: 2022-06-29. Review status: criteria provided, single submitter. Criteria: Invitae Variant Classification Sherloc (09022015). Collection method: clinical testing. Allele origin: germline.
Comment: For these reasons, this variant has been classified as Pathogenic. This variant has not been reported in the literature in individuals affected with ALMS1-related conditions. This sequence change creates a premature translational stop signal (p.Gln1300*) in the ALMS1 gene. It is expected to result in an absent or disrupted protein product. Loss-of-function variants in ALMS1 are known to be pathogenic (PMID: 17594715). This variant is not present in population databases (gnomAD no frequency).

Blueprint Genetics
Classification: Likely pathogenic for ALMS1-related disorders. Last evaluated: 2020-01-29. Review status: criteria provided, single submitter. Criteria: ACMG Guidelines, 2015. Collection method: clinical testing. Allele origin: germline. Affected: yes. Observed: 2 variant alleles.

Literature cited by the submitters: PubMed 36206858 (cited by Natera, Inc.); PubMed 17594715 (cited by Labcorp Genetics (formerly Invitae), Labcorp).

NM_001378454.1(ALMS1):c.3895C>T (p.Gln1299Ter)

Gene: ALMS1 (ALMS1 centrosome and basal body associated protein; plus strand). Cytogenetic location: 2p13.1.
Variant type: single nucleotide variant.
Coding change: c.3895C>T on transcript NM_001378454.1 (MANE Select); coding-DNA position 3895, C replaced by T.
Protein change: p.Gln1299Ter; replaces glutamine 1299 with a stop codon.
Molecular consequence: nonsense.
Genome position (GRCh38, 1-based): chr2:73,450,422, C>T. VCF-style: chr2-73450422-C-T. GRCh37 (hg19) VCF-style: chr2-73677549-C-T.
Other names: c.3898C>T, p.Gln1300Ter (NM_015120.4); short protein forms Q1300*, Q1299*.
Identifiers: ClinVar variation 2012104 (VCV002012104.6), dbSNP rs2466099788, ClinGen allele CA347277027.
Genomic context (GRCh38, chr2:73,450,422, plus strand): 5'-CCAGCTGTAACCTCTACTTCCTACTCACAATATAGAGAGAAGCCCAGCATTTTCTACCAA[C>T]AGTCGTTGCCAAGTAGTCATCTAACTGAAGAGGCTAAGAATGTTTCAGCGGTTCCTGGAC-3'